The following is an entry in ClinVar:

NM_001958.5(EEF1A2):c.1052G>A (p.Gly351Glu)

Gene: EEF1A2 (eukaryotic translation elongation factor 1 alpha 2; minus strand). Cytogenetic location: 20q13.33.
Variant type: single nucleotide variant.
Coding change: c.1052G>A on transcript NM_001958.5 (MANE Select); coding-DNA position 1052, G replaced by A.
Protein change: p.Gly351Glu; replaces glycine 351 with glutamic acid.
Molecular consequence: missense variant.
Genome position (GRCh38, 1-based): chr20:63,489,130, C>T on the plus strand (G>A on the coding strand, the complement: EEF1A2 is on the minus strand). VCF-style: chr20-63489130-C-T. GRCh37 (hg19) VCF-style: chr20-62120483-C-T.
Other names: short protein forms G351E.
Identifiers: ClinVar variation 3254760 (VCV003254760.1), dbSNP rs2516773491.
Genomic context (GRCh38, chr20:63,489,130, plus strand): 5'-TTGCAGGCGATGTGGGCTGTGTGGCAGTCGATGACCGGGGAGTAGCCGGCGCTAATCTGC[C>T]CCGGGTGGTTCAGGATGATGACCTGCGAGCGGAGCCACAGGCGGCCATCAGGCACATCGG-3'
Protein context (NP_001949.1, residues 341-361): TSQVIILNHP[Gly351Glu]QISAGYSPVI

ClinVar aggregate classification (germline): Uncertain significance (1 of 4 stars; one submission).

Conditions:
Intellectual developmental disorder, autosomal dominant 38. Also called: PSYCHOMOTOR RETARDATION, EPILEPSY, AND LANGUAGE DISABILITY SYNDROME; Intellectual disability, autosomal dominant 38. Identifiers: MedGen C4225343, MONDO:0014617, OMIM 616393.

Submission:

Victorian Clinical Genetics Services, Murdoch Childrens Research Institute
Classification: Uncertain significance for Intellectual developmental disorder, autosomal dominant 38. Last evaluated: 2023-07-16. Review status: criteria provided, single submitter. Criteria: ACMG Guidelines, 2015. Collection method: clinical testing. Allele origin: germline. Inheritance: Autosomal dominant inheritance. Affected: yes.
Comment: Based on the classification scheme VCGS_Germline_v1.3.4, this variant is classified as VUS-3A Following criteria are met: 0105 - The mechanism of disease for this gene is not clearly established. However, gain-of-function has been suggested (PMID: 32160274). (I) 0107 - This gene is associated with autosomal dominant disease. (I) 0200 - Variant is predicted to result in a missense amino acid change from glycine to glutamic acid. (I) 0251 - This variant is heterozygous. (I) 0301 - Variant is absent from gnomAD (both v2 and v3). (SP) 0502 - Missense variant with conflicting in silico predictions and uninformative conservation. (I) 0600 - Variant is located in the annotated elongation factor Tu C-terminal domain (DECIPHER). (I) 0705 - No comparable missense variants have previous evidence for pathogenicity. (I) 0807 - This variant has no previous evidence of pathogenicity. (I) 0905 - No published segregation evidence has been identified for this variant. (I) 1007 - No published functional evidence has been identified for this variant. (SP) Legend: (SP) - Supporting pathogenic, (I) - Information, (SB) - Supporting benign

Literature cited by the submitters: PubMed 32160274.